The following is an entry in ClinVar:

NM_000059.4(BRCA2):c.6263del (p.Thr2088fs)

Gene: BRCA2 (BRCA2 DNA repair associated; plus strand). Cytogenetic location: 13q13.1.
Variant type: Deletion.
Coding change: c.6263del on transcript NM_000059.4 (MANE Select); coding-DNA position 6263, one base deleted (C; older notation c.6263delC).
Protein change: p.Thr2088fs; shifts the reading frame from threonine 2088.
Molecular consequence: frameshift variant.
Genome position (GRCh38, 1-based): chr13:32,340,618, C deleted. VCF-style (leftmost placement, unchanged base first): chr13-32340617-AC-A. GRCh37 (hg19) VCF-style: chr13-32914754-AC-A.
Other names: p.Thr2088Metfs*31; c.6263delC (NM_000059.3); short protein forms T2088fs.
Identifiers: ClinVar variation 420701 (VCV000420701.17), dbSNP rs1064794647, ClinGen allele CA16619738.
Genomic context (GRCh38, chr13:32,340,617, plus strand): 5'-ATTTTAGAAAGTTCCTTACACAAAGTTAAGGGAGTGTTAGAGGAATTTGATTTAATCAGA[AC>A]TGAGCATAGTCTTCACTATTCACCTACGTCTAGACAAAATGTATCAAAAATACTTCCTCG-3'

ClinVar aggregate classification (germline): Pathogenic. Review status: reviewed by expert panel (3 of 4 stars). 7 submissions from 7 submitters: Pathogenic (1). 6 of the submissions do not count toward it. Last evaluated 2017-12-15.

Conditions:
Hereditary cancer-predisposing syndrome. Also called: Hereditary neoplastic syndrome; Hereditary Cancer Syndrome; Neoplastic Syndromes, Hereditary; Tumor predisposition. Identifiers: Orphanet 140162, MedGen C0027672, MeSH D009386, MONDO:0015356.
Breast-ovarian cancer, familial, susceptibility to, 2 (BROVCA2). Also called: BRCA2 Hereditary Breast and Ovarian Cancer. Identifiers: Orphanet 145, MedGen C2675520, MONDO:0012933, OMIM 612555. Disease mechanism: loss of function.
Hereditary breast ovarian cancer syndrome. Also called: Hereditary breast and ovarian cancer syndrome; BRCA1- and BRCA2-Associated Hereditary Breast and Ovarian Cancer; Hereditary breast and/or ovarian cancer syndrome; Hereditary breast and ovarian cancer; Breast and ovarian cancer; Hereditary breast and ovarian cancer syndrome (HBOC). Identifiers: Orphanet 145, MedGen C0677776, MeSH D061325, MONDO:0003582. Disease mechanism: loss of function.
Familial cancer of breast. Also called: hereditary breast carcinoma; Hereditary breast cancer; BREAST CANCER, FAMILIAL. Identifiers: Orphanet 227535, MedGen C0346153, MONDO:0016419, OMIM 114480. Disease mechanism: loss of function.

Submissions (7):

Evidence-based Network for the Interpretation of Germline Mutant Alleles (ENIGMA)
Classification: Pathogenic for Breast-ovarian cancer, familial, susceptibility to, 2. Last evaluated: 2017-12-15. Review status: reviewed by expert panel. Criteria: ENIGMA BRCA1/2 Classification Criteria (2017-06-29). Collection method: curation. Allele origin: germline. Study: ENIGMA.
Comment: Variant allele predicted to encode a truncated non-functional protein.

Ambry Genetics
Classification: Pathogenic for Hereditary cancer-predisposing syndrome. Last evaluated: 2025-04-11. Review status: criteria provided, single submitter. Criteria: Ambry Variant Classification Scheme 2023. Collection method: clinical testing. Allele origin: germline. Not counted in ClinVar's aggregate classification.
Comment: The c.6263delC pathogenic mutation, located in coding exon 10 of the BRCA2 gene, results from a deletion of one nucleotide at nucleotide position 6263, causing a translational frameshift with a predicted alternate stop codon (p.T2088Mfs*31). This variant is considered to be rare based on population cohorts in the Genome Aggregation Database (gnomAD). This alteration is expected to result in loss of function by premature protein truncation or nonsense-mediated mRNA decay. As such, this alteration is interpreted as a disease-causing mutation.

Mayo Clinic Laboratories, Mayo Clinic
Classification: Pathogenic. Last evaluated: 2023-06-13. Review status: criteria provided, single submitter. Criteria: ACMG Guidelines, 2015. Collection method: clinical testing. Allele origin: germline. Observed: 1 variant allele. Not counted in ClinVar's aggregate classification.
Comment: PP5, PM2, PVS1

Quest Diagnostics Nichols Institute San Juan Capistrano
Classification: Pathogenic. Last evaluated: 2023-01-04. Review status: criteria provided, single submitter. Criteria: Quest Diagnostics criteria. Collection method: clinical testing. Allele origin: unknown. Not counted in ClinVar's aggregate classification.
Comment: This frameshift variant alters the translational reading frame of the BRCA2 mRNA and is predicted to cause the premature termination of BRCA2 protein synthesis. The variant has not been reported in individuals with BRCA2-related diseases in the published literature. It also has not been reported in large, multi-ethnic general populations. Based on the available information, this variant is classified as pathogenic.

Labcorp Genetics (formerly Invitae), Labcorp
Classification: Pathogenic for Hereditary breast ovarian cancer syndrome. Last evaluated: 2022-09-19. Review status: criteria provided, single submitter. Criteria: Invitae Variant Classification Sherloc (09022015). Collection method: clinical testing. Allele origin: germline. Not counted in ClinVar's aggregate classification.
Comment: This variant has not been reported in the literature in individuals affected with BRCA2-related conditions. This variant is not present in population databases (gnomAD no frequency). This sequence change creates a premature translational stop signal (p.Thr2088Metfs*31) in the BRCA2 gene. It is expected to result in an absent or disrupted protein product. Loss-of-function variants in BRCA2 are known to be pathogenic (PMID: 20104584). ClinVar contains an entry for this variant (Variation ID: 420701). For these reasons, this variant has been classified as Pathogenic.

Baylor Genetics
Classification: Pathogenic for Familial cancer of breast. Last evaluated: 2021-12-02. Review status: criteria provided, single submitter. Criteria: ACMG Guidelines, 2015. Collection method: clinical testing. Allele origin: unknown. Not counted in ClinVar's aggregate classification.

GeneDx
Classification: Pathogenic. Last evaluated: 2017-04-10. Review status: criteria provided, single submitter. Criteria: GeneDx Variant Classification (06012015). Collection method: clinical testing. Allele origin: germline. Affected: yes. Not counted in ClinVar's aggregate classification.
Comment: This deletion of one nucleotide is denoted BRCA2 c.6263delC at the cDNA level and p.Thr2088MetfsX31 (T2088MfsX31) at the protein level. Using alternate nomenclature, this variant would be defined as BRCA2 c.6491delC. The normal sequence, with the base that is deleted in brackets, is AGAA[delC]TGAG. The deletion causes a frameshift, which changes a Threonine to a Methionine at codon 2088, and creates a premature stop codon at position 31 of the new reading frame. Although this variant has not, to our knowledge, been reported in the literature, it is predicted to cause loss of normal protein function through either protein truncation or nonsense-mediated mRNA decay. We consider this variant to be pathogenic.

Literature cited by the submitters: PubMed 20104584 (cited by Labcorp Genetics (formerly Invitae), Labcorp).